The following is an entry in ClinVar:

ClinVar aggregate classification (germline): Conflicting classifications of pathogenicity. Review status: criteria provided, conflicting classifications (1 of 4 stars). 2 submissions from 2 submitters: Uncertain significance (1); Likely benign (1). Last evaluated 2025-12-20.

Conditions:
Cardiomyopathy (CMYO). Also called: Cardiomyopathies. Identifiers: Orphanet 167848, MedGen C0878544, MONDO:0004994, HP:0001638. Inheritance: Various modes of inheritance.
Arrhythmogenic right ventricular dysplasia 11. Also called: Arrhythmogenic Right Ventricular Dysplasia/Cardiomyopathy11; ARRHYTHMOGENIC RIGHT VENTRICULAR DYSPLASIA, FAMILIAL, 11; Arrhythmogenic right ventricular dysplasia 11 with mild palmoplantar keratoderma and woolly hair. Identifiers: MedGen C1864850, MONDO:0012506, OMIM 610476.

Submissions (2):

Labcorp Genetics (formerly Invitae), Labcorp
Classification: Likely benign for Arrhythmogenic right ventricular dysplasia 11. Last evaluated: 2025-12-20. Review status: criteria provided, single submitter. Criteria: Invitae Variant Classification Sherloc (09022015). Collection method: clinical testing. Allele origin: germline.

Color Diagnostics, LLC DBA Color Health
Classification: Uncertain significance for Cardiomyopathy. Last evaluated: 2023-08-22. Review status: criteria provided, single submitter. Criteria: ACMG Guidelines, 2015. Collection method: clinical testing. Allele origin: germline.
Comment: This variant causes a duplication of 1 nucleotide in intron 6 of the DSC2 gene. To our knowledge, functional studies have not been reported for this variant. This variant has not been reported in individuals affected with cardiovascular disorders in the literature. This variant has not been identified in the general population by the Genome Aggregation Database (gnomAD). The available evidence is insufficient to determine the role of this variant in disease conclusively. Therefore, this variant is classified as a Variant of Uncertain Significance.

NM_024422.6(DSC2):c.776-13dup

Gene: DSC2 (desmocollin 2; minus strand). Cytogenetic location: 18q12.1.
Variant type: Duplication.
Coding change: c.776-13dup on transcript NM_024422.6 (MANE Select); 13 bases into the intron before coding-DNA position 776, one base duplicated (T; older notation c.776-13dupT).
Molecular consequence: intron variant.
Genome position (GRCh38, 1-based): chr18:31,086,752, A duplicated on the plus strand (T on the coding strand, the reverse complement: DSC2 is on the minus strand); the first of 4 consecutive A bases (chr18:31,086,752-31,086,755); duplicating any one gives the same sequence. VCF-style (leftmost placement, unchanged base first): chr18-31086751-G-GA. GRCh37 (hg19) VCF-style: chr18-28666714-G-GA.
Other names: c.776-13dup (NM_004949.5); c.776-10dup (NM_024422.6).
Identifiers: ClinVar variation 1117381 (VCV001117381.10), dbSNP rs1987414584, ClinGen allele CA2293653752.